The following is an entry in ClinVar:

NM_000400.4(ERCC2):c.1852G>A (p.Val618Ile)

Gene: ERCC2 (ERCC excision repair 2, TFIIH core complex helicase subunit; minus strand). Cytogenetic location: 19q13.32.
Variant type: single nucleotide variant.
Coding change: c.1852G>A on transcript NM_000400.4 (MANE Select); coding-DNA position 1852, G replaced by A.
Protein change: p.Val618Ile; replaces valine 618 with isoleucine.
Molecular consequence: missense variant.
Genome position (GRCh38, 1-based): chr19:45,352,796, C>T on the plus strand (G>A on the coding strand, the complement: ERCC2 is on the minus strand). VCF-style: chr19-45352796-C-T. GRCh37 (hg19) VCF-style: chr19-45856054-C-T.
Other names: short protein forms V618I.
Identifiers: ClinVar variation 1433033 (VCV001433033.5), dbSNP rs922327414, ClinGen allele CA308951320.

ClinVar aggregate classification (germline): Uncertain significance. Review status: criteria provided, multiple submitters, no conflicts (2 of 4 stars). 2 submissions from 2 submitters: Uncertain significance (2). Last evaluated 2021-09-30.

Conditions:
Inborn genetic diseases. Identifiers: MedGen C0950123, MeSH D030342.

Allele frequency attached by ClinVar (database versions not stated): gnomAD exomes below 0.00001; TOPMed 0.00001.

Submissions (2):

Labcorp Genetics (formerly Invitae), Labcorp
Classification: Uncertain significance. Last evaluated: 2021-09-30. Review status: criteria provided, single submitter. Criteria: Invitae Variant Classification Sherloc (09022015). Collection method: clinical testing. Allele origin: germline.
Comment: This sequence change replaces valine with isoleucine at codon 618 of the ERCC2 protein (p.Val618Ile). The valine residue is highly conserved and there is a small physicochemical difference between valine and isoleucine. This variant is not present in population databases (ExAC no frequency). This variant has not been reported in the literature in individuals affected with ERCC2-related conditions. Algorithms developed to predict the effect of missense changes on protein structure and function are either unavailable or do not agree on the potential impact of this missense change (SIFT: "Deleterious"; PolyPhen-2: "Possibly Damaging"; Align-GVGD: "Class C0"). In summary, the available evidence is currently insufficient to determine the role of this variant in disease. Therefore, it has been classified as a Variant of Uncertain Significance.

Ambry Genetics
Classification: Uncertain significance for Inborn genetic diseases. Last evaluated: 2021-09-22. Review status: criteria provided, single submitter. Criteria: Ambry Variant Classification Scheme 2023. Collection method: clinical testing. Allele origin: germline.
Comment: The p.V618I variant (also known as c.1852G>A), located in coding exon 20 of the ERCC2 gene, results from a G to A substitution at nucleotide position 1852. The valine at codon 618 is replaced by isoleucine, an amino acid with highly similar properties. This amino acid position is conserved. In addition, the in silico prediction for this alteration is inconclusive. Since supporting evidence is limited at this time, the clinical significance of this alteration remains unclear.